The following is an entry in ClinVar:

ClinVar aggregate classification (germline): Uncertain significance. Review status: criteria provided, multiple submitters, no conflicts (2 of 4 stars). 4 submissions from 4 submitters: Uncertain significance (4). Last evaluated 2026-03-18.

Conditions:
Polycystic kidney disease, adult type (PKD1). Also called: Polycystic Kidney, Autosomal Dominant; Polycystic Kidney Disease 1, Autosomal Dominant; Polycystic kidney disease 1; Polycystic kidney disease 1, severe; POLYCYSTIC KIDNEY DISEASE 1 WITH OR WITHOUT POLYCYSTIC LIVER DISEASE; POLYCYSTIC KIDNEY DISEASE, ADULT, TYPE I. Identifiers: MedGen C3149841, MONDO:0008263, OMIM 173900.
PKD1-related disorder. Also called: PKD1-related condition.

Allele frequency attached by ClinVar (database versions not stated): ExAC 0.00008; ESP Exome Variant Server 0.00008; TOPMed 0.00008; gnomAD 0.00009.
gnomAD v4.1: 169 of 1,612,576 alleles (0.01%); highest among the groups gnomAD compares: Non-Finnish European, 0.014%; no homozygotes.

Submissions (4):

PreventionGenetics, part of Exact Sciences
Classification: Uncertain significance for PKD1-related condition. Last evaluated: 2026-03-18. Review status: criteria provided, single submitter. Criteria: ACMG Guidelines, 2015. Collection method: clinical testing. Allele origin: germline.
Comment: The PKD1 c.12051G>C variant is predicted to result in the amino acid substitution p.Lys4017Asn. This variant has been reported in patients with autosomal dominant polycystic kidney disease (ADPKD), but the clinical significance is unknown (Supplemental Table 3, Cornec-Le Gall et al. 2016. PubMed ID: 26150605; Suppl. Table S6, Carrera et al. 2016. PubMed ID: 27499327). This variant is reported in 0.013% of alleles in individuals of European (Non-Finnish) descent in gnomAD. At this time, the clinical significance of this variant is uncertain due to the absence of conclusive functional and genetic evidence.

Women's Health and Genetics/Laboratory Corporation of America, LabCorp
Classification: Uncertain significance. Last evaluated: 2025-10-08. Review status: criteria provided, single submitter. Criteria: LabCorp Variant Classification Summary - May 2015. Collection method: clinical testing. Allele origin: germline.
Comment: Variant summary: PKD1 c.12051G>C (p.Lys4017Asn) results in a non-conservative amino acid change in the encoded protein sequence. Algorithms developed to predict the effect of missense changes on protein structure and function are either unavailable or do not agree on the potential impact of this missense change. The variant allele was found at a frequency of 5.7e-05 in 246672 control chromosomes. This frequency is not significantly higher than estimated for disease-causing variants in PKD1, allowing no conclusion about variant significance. c.12051G>C has been observed in individual(s) affected with Polycystic Kidney Disease 1 (Carrera_2016). These report(s) do not provide unequivocal conclusions about association of the variant with Polycystic Kidney Disease 1. To our knowledge, no experimental evidence demonstrating an impact on protein function has been reported. The following publication have been ascertained in the context of this evaluation (PMID: 27499327). ClinVar contains an entry for this variant (Variation ID: 994707). Based on the evidence outlined above, the variant was classified as uncertain significance.

Fulgent Genetics
Classification: Uncertain significance for Polycystic kidney disease, adult type. Last evaluated: 2024-06-18. Review status: criteria provided, single submitter. Criteria: ACMG Guidelines, 2015. Collection method: clinical testing. Allele origin: germline.

Athena Diagnostics
Classification: Uncertain significance. Last evaluated: 2019-10-01. Review status: criteria provided, single submitter. Criteria: Athena Diagnostics Criteria. Collection method: clinical testing. Allele origin: unknown.

Literature cited by the submitters: PubMed 27499327 (cited by Women's Health and Genetics/Laboratory Corporation of America, LabCorp).

NM_001009944.3(PKD1):c.12051G>C (p.Lys4017Asn)

Gene: PKD1 (polycystin 1, transient receptor potential channel interacting; minus strand). Cytogenetic location: 16p13.3.
Variant type: single nucleotide variant.
Coding change: c.12051G>C on transcript NM_001009944.3 (MANE Select); coding-DNA position 12051, G replaced by C.
Protein change: p.Lys4017Asn; replaces lysine 4017 with asparagine.
Molecular consequence: missense variant.
Genome position (GRCh38, 1-based): chr16:2,090,761, C>G on the plus strand (G>C on the coding strand, the complement: PKD1 is on the minus strand). VCF-style: chr16-2090761-C-G. GRCh37 (hg19) VCF-style: chr16-2140762-C-G.
Other names: c.12048G>C, p.Lys4016Asn (NM_000296.4); c.12051G>C (NM_001009944.2); short protein forms K4016N, K4017N.
Identifiers: ClinVar variation 994707 (VCV000994707.4), dbSNP rs151044657, ClinGen allele CA7828857.
Genomic context (GRCh38, chr16:2,090,761, plus strand): 5'-CCCGAGCACCACCAGGCCCAAGGTGACCCCCAGGAGCTCTGGCAGAGCTCGGCATAATGT[C>G]TTGCCAAAGACGGACCACTGGCGCACGAAGCGTAGCTGCTGGGCAGCCTGCGGACGAGAA-3'
Protein context (NP_001009944.3, residues 4007-4027): RFVRQWSVFG[Lys4017Asn]TLCRALPELL